The following is an entry in ClinVar:

NM_001287491.2(TET3):c.1466A>G (p.Lys489Arg)

Gene: TET3 (tet methylcytosine dioxygenase 3; plus strand). Cytogenetic location: 2p13.1.
Variant type: single nucleotide variant.
Coding change: c.1466A>G on transcript NM_001287491.2 (MANE Select); coding-DNA position 1466, A replaced by G.
Protein change: p.Lys489Arg; replaces lysine 489 with arginine.
Molecular consequence: missense variant.
Genome position (GRCh38, 1-based): chr2:74,047,383, A>G. VCF-style: chr2-74047383-A-G. GRCh37 (hg19) VCF-style: chr2-74274510-A-G.
Other names: c.1187A>G, p.Lys396Arg (NM_001366022.1); short protein forms K396R, K489R.
Identifiers: ClinVar variation 4527826 (VCV004527826.1).
Genomic context (GRCh38, chr2:74,047,383, plus strand): 5'-GCGCCAGTGATTACATCCAGTCAGTATTCAAGCGGCCTGAGGCCCTGCCTACCAAGCCCA[A>G]GGTCAAGGTGGAGGCACCCTCTTCCTCCCCGGCCCCGGCCCCATCCCCTGTACTTCAGAG-3'
Protein context (NP_001274420.1, residues 479-499): KRPEALPTKP[Lys489Arg]VKVEAPSSSP

ClinVar aggregate classification (germline): Uncertain significance (1 of 4 stars; one submission).

gnomAD v4.1: 2 of 1,613,806 alleles (0.00012%); highest among the groups gnomAD compares: South Asian, 0.0011%; no homozygotes.

Submission:

GeneDx
Classification: Uncertain significance. Last evaluated: 2025-05-04. Review status: criteria provided, single submitter. Criteria: GeneDx Variant Classification Process June 2021. Collection method: clinical testing. Allele origin: germline. Affected: yes.
Comment: Not observed at significant frequency in large population cohorts (gnomAD); In silico analysis suggests that this missense variant does not alter protein structure/function; Has not been previously published as pathogenic or benign to our knowledge